The following is an entry in ClinVar:

NM_018979.4(WNK1):c.7134C>G (p.Asn2378Lys)

Gene: WNK1 (WNK lysine deficient protein kinase 1; plus strand). Cytogenetic location: 12p13.33.
Variant type: single nucleotide variant.
Coding change: c.7134C>G on transcript NM_018979.4 (MANE Select); coding-DNA position 7134, C replaced by G.
Protein change: p.Asn2378Lys; replaces asparagine 2378 with lysine.
Molecular consequence: missense variant.
Genome position (GRCh38, 1-based): chr12:908,777, C>G. VCF-style: chr12-908777-C-G. GRCh37 (hg19) VCF-style: chr12-1017943-C-G.
Other names: c.7914C>G, p.Asn2638Lys (NM_001184985.2); c.6390C>G, p.Asn2130Lys (NM_014823.3); c.7890C>G, p.Asn2630Lys (NM_213655.5); short protein forms N2378K, N2630K, N2638K, N2130K.
Identifiers: ClinVar variation 1441719 (VCV001441719.6), dbSNP rs2154104703, ClinGen allele CA383341631.
Genomic context (GRCh38, chr12:908,777, plus strand): 5'-CTTGCAGAATTTCAACATCAGCAATTTGCAGAAATCCATCAGCAACCCCCCAGGCTCCAA[C>G]CTGCGGACCACTTAGACCTAGAGACATTAACTGAATAGATCTGGGGGCAGGAGATGGAAT-3'
Protein context (NP_061852.3, residues 2368-2382): QKSISNPPGS[Asn2378Lys]LRTT

ClinVar aggregate classification (germline): Uncertain significance (1 of 4 stars; one submission).

Conditions:
Neuropathy, hereditary sensory and autonomic, type 2A (HSAN2A). Also called: ACROOSTEOLYSIS, GIACCAI TYPE; ACROOSTEOLYSIS, NEUROGENIC; MORVAN DISEASE; NEUROPATHY, CONGENITAL SENSORY; NEUROPATHY, HEREDITARY SENSORY RADICULAR, AUTOSOMAL RECESSIVE; NEUROPATHY, HEREDITARY SENSORY, TYPE IIA. Identifiers: Orphanet 970, MedGen C2752089, MONDO:0024309, OMIM 201300.
Pseudohypoaldosteronism type 2C (PHA2C). Also called: Pseudohypoaldosteronism Type IIC. Identifiers: Orphanet 757, Orphanet 88940, MedGen C1840391, MONDO:0013778, OMIM 614492.

Submission:

Labcorp Genetics (formerly Invitae), Labcorp
Classification: Uncertain significance for Neuropathy, hereditary sensory and autonomic, type 2A; Pseudohypoaldosteronism type 2C. Last evaluated: 2021-08-03. Review status: criteria provided, single submitter. Criteria: Invitae Variant Classification Sherloc (09022015). Collection method: clinical testing. Allele origin: germline.
Comment: This sequence change replaces asparagine with lysine at codon 2630 of the WNK1 protein (p.Asn2630Lys). The asparagine residue is moderately conserved and there is a moderate physicochemical difference between asparagine and lysine. This variant is not present in population databases (ExAC no frequency). This variant has not been reported in the literature in individuals affected with WNK1-related conditions. Advanced modeling of protein sequence and biophysical properties (such as structural, functional, and spatial information, amino acid conservation, physicochemical variation, residue mobility, and thermodynamic stability) performed at Invitae indicates that this missense variant is not expected to disrupt WNK1 protein function. In summary, the available evidence is currently insufficient to determine the role of this variant in disease. Therefore, it has been classified as a Variant of Uncertain Significance.